The following is an entry in ClinVar:

NM_033028.5(BBS4):c.1429G>A (p.Ala477Thr)

Gene: BBS4 (Bardet-Biedl syndrome 4; plus strand). Cytogenetic location: 15q24.1.
Variant type: single nucleotide variant.
Coding change: c.1429G>A on transcript NM_033028.5 (MANE Select); coding-DNA position 1429, G replaced by A.
Protein change: p.Ala477Thr; replaces alanine 477 with threonine.
Molecular consequence: missense variant. On other transcripts: non-coding transcript variant (2).
Genome position (GRCh38, 1-based): chr15:72,736,942, G>A. VCF-style: chr15-72736942-G-A. GRCh37 (hg19) VCF-style: chr15-73029283-G-A.
Other names: c.913G>A, p.Ala305Thr (NM_001252678.2); c.1360G>A, p.Ala454Thr (NM_001320665.2); short protein forms A477T, A305T, A454T.
Identifiers: ClinVar variation 1385900 (VCV001385900.5), dbSNP rs760480986, ClinGen allele CA272646578.

ClinVar aggregate classification (germline): Uncertain significance (1 of 4 stars; one submission).

Conditions:
Bardet-Biedl syndrome (BBS). Identifiers: Orphanet 110, MedGen C0752166, MONDO:0015229.

Allele frequency attached by ClinVar (database versions not stated): gnomAD exomes below 0.00001 and 0.00001; gnomAD 0.00001; TOPMed 0.00001.

Submission:

Labcorp Genetics (formerly Invitae), Labcorp
Classification: Uncertain significance for Bardet-Biedl syndrome. Last evaluated: 2022-02-10. Review status: criteria provided, single submitter. Criteria: Invitae Variant Classification Sherloc (09022015). Collection method: clinical testing. Allele origin: germline.
Comment: This sequence change replaces alanine, which is neutral and non-polar, with threonine, which is neutral and polar, at codon 477 of the BBS4 protein (p.Ala477Thr). This variant is present in population databases (rs760480986, gnomAD 0.002%). This variant has not been reported in the literature in individuals affected with BBS4-related conditions. Algorithms developed to predict the effect of missense changes on protein structure and function output the following: SIFT: "Deleterious"; PolyPhen-2: "Benign"; Align-GVGD: "Class C0". The threonine amino acid residue is found in multiple mammalian species, which suggests that this missense change does not adversely affect protein function. In summary, the available evidence is currently insufficient to determine the role of this variant in disease. Therefore, it has been classified as a Variant of Uncertain Significance.